The following is an entry in ClinVar:

ClinVar aggregate classification (germline): Uncertain significance (1 of 4 stars; one submission).

Allele frequency attached by ClinVar (database versions not stated): gnomAD exomes below 0.00001.
gnomAD v4.1: 2 of 1,613,364 alleles (0.00012%); highest among the groups gnomAD compares: Non-Finnish European, 0.00017%; no homozygotes.

Submission:

Labcorp Genetics (formerly Invitae), Labcorp
Classification: Uncertain significance. Last evaluated: 2024-05-09. Review status: criteria provided, single submitter. Criteria: Invitae Variant Classification Sherloc (09022015). Collection method: clinical testing. Allele origin: germline.
Comment: This sequence change replaces arginine, which is basic and polar, with cysteine, which is neutral and slightly polar, at codon 74 of the RAB11B protein (p.Arg74Cys). This variant is present in population databases (no rsID available, gnomAD 0.0009%). This variant has not been reported in the literature in individuals affected with RAB11B-related conditions. An algorithm developed to predict the effect of missense changes on protein structure and function (PolyPhen-2) suggests that this variant is likely to be disruptive. In summary, the available evidence is currently insufficient to determine the role of this variant in disease. Therefore, it has been classified as a Variant of Uncertain Significance.

NM_004218.4(RAB11B):c.220C>T (p.Arg74Cys)

Gene: RAB11B (RAB11B, member RAS oncogene family; plus strand). Cytogenetic location: 19p13.2.
Variant type: single nucleotide variant.
Coding change: c.220C>T on transcript NM_004218.4 (MANE Select); coding-DNA position 220, C replaced by T.
Protein change: p.Arg74Cys; replaces arginine 74 with cysteine.
Molecular consequence: missense variant.
Genome position (GRCh38, 1-based): chr19:8,400,042, C>T. VCF-style: chr19-8400042-C-T. GRCh37 (hg19) VCF-style: chr19-8464926-C-T.
Other names: short protein forms R74C.
Identifiers: ClinVar variation 2796610 (VCV002796610.3), dbSNP rs1288425927, ClinGen allele CA403711327.
Genomic context (GRCh38, chr19:8,400,042, plus strand): 5'-CAGGTGGACGGCAAGACCATCAAGGCGCAGATCTGGGACACCGCTGGCCAGGAGCGCTAC[C>T]GCGCCATCACCTCCGCGTGCGTGTCGGCAGCCTGGGCAGGGACGCTGAGATTCGGGGGCG-3'
Protein context (NP_004209.2, residues 64-84): IWDTAGQERY[Arg74Cys]AITSAYYRGA